The following is an entry in ClinVar:

ClinVar aggregate classification (germline): Uncertain significance (1 of 4 stars; one submission).

Submission:

Labcorp Genetics (formerly Invitae), Labcorp
Classification: Uncertain significance. Last evaluated: 2022-09-07. Review status: criteria provided, single submitter. Criteria: Invitae Variant Classification Sherloc (09022015). Collection method: clinical testing. Allele origin: germline.
Comment: In summary, the available evidence is currently insufficient to determine the role of this variant in disease. Therefore, it has been classified as a Variant of Uncertain Significance. Algorithms developed to predict the effect of missense changes on protein structure and function (SIFT, PolyPhen-2, Align-GVGD) all suggest that this variant is likely to be tolerated. This variant has not been reported in the literature in individuals affected with SETD5-related conditions. This variant is not present in population databases (gnomAD no frequency). This sequence change replaces valine, which is neutral and non-polar, with phenylalanine, which is neutral and non-polar, at codon 496 of the SETD5 protein (p.Val496Phe).

NM_001080517.3(SETD5):c.1486G>T (p.Val496Phe)

Gene: SETD5 (SET domain containing 5; plus strand). Cytogenetic location: 3p25.3.
Variant type: single nucleotide variant.
Coding change: c.1486G>T on transcript NM_001080517.3 (MANE Select); coding-DNA position 1486, G replaced by T.
Protein change: p.Val496Phe; replaces valine 496 with phenylalanine.
Molecular consequence: missense variant.
Genome position (GRCh38, 1-based): chr3:9,445,702, G>T. VCF-style: chr3-9445702-G-T. GRCh37 (hg19) VCF-style: chr3-9487386-G-T.
Other names: c.1192G>T, p.Val398Phe (NM_001292043.2, NM_001349451.2); short protein forms V398F, V496F.
Identifiers: ClinVar variation 1714279 (VCV001714279.5), dbSNP rs916012800, ClinGen allele CA351694128.